The following is an entry in ClinVar:

NM_001128840.3(CACNA1D):c.280C>T (p.Gln94Ter)

Gene: CACNA1D (calcium voltage-gated channel subunit alpha1 D; plus strand). Cytogenetic location: 3p21.1.
Variant type: single nucleotide variant.
Coding change: c.280C>T on transcript NM_001128840.3 (MANE Select); coding-DNA position 280, C replaced by T.
Protein change: p.Gln94Ter; replaces glutamine 94 with a stop codon.
Molecular consequence: nonsense.
Genome position (GRCh38, 1-based): chr3:53,497,364, C>T. VCF-style: chr3-53497364-C-T. GRCh37 (hg19) VCF-style: chr3-53531391-C-T.
Other names: c.280C>T, p.Gln94Ter (NM_000720.4, NM_001128839.3); short protein forms Q94*.
Identifiers: ClinVar variation 1311642 (VCV001311642.2), dbSNP rs2107071866, ClinGen allele CA353382132.
Genomic context (GRCh38, chr3:53,497,364, plus strand): 5'-CCCCCACCTGTAGGATCTCTCTCCCAAAGAAAACGTCAGCAATACGCCAAGAGCAAAAAA[C>T]AGGGTAACTCGTCCAACAGCCGACCTGCCCGCGCCCTTTTCTGTTTATCACTCAATAACC-3'

ClinVar aggregate classification (germline): Uncertain significance (1 of 4 stars; one submission).

Submission:

GeneDx
Classification: Uncertain significance. Last evaluated: 2020-10-06. Review status: criteria provided, single submitter. Criteria: GeneDx Variant Classification Process June 2021. Collection method: clinical testing. Allele origin: germline. Affected: yes.
Comment: Not observed in large population cohorts (Lek et al., 2016); Nonsense variant predicted to result in protein truncation or nonsense mediated decay in a gene for which loss-of-function is not a known mechanism of disease; Has not been previously published as pathogenic or benign to our knowledge